The following is an entry in ClinVar:

ClinVar aggregate classification (germline): Uncertain significance (1 of 4 stars; one submission).

Conditions:
Familial thoracic aortic aneurysm and aortic dissection (TAAD). Also called: Thoracic aortic aneurysms and dissections. Identifiers: Orphanet 91387, MedGen C4707243, MONDO:0019625.

Submission:

Ambry Genetics
Classification: Uncertain significance for Familial thoracic aortic aneurysm and aortic dissection. Last evaluated: 2022-02-04. Review status: criteria provided, single submitter. Criteria: Ambry Variant Classification Scheme 2023. Collection method: clinical testing. Allele origin: germline.
Comment: The p.G195C variant (also known as c.583G>T), located in coding exon 3 of the TGFB3 gene, results from a G to T substitution at nucleotide position 583. The glycine at codon 195 is replaced by cysteine, an amino acid with highly dissimilar properties. This amino acid position is conserved. In addition, the in silico prediction for this alteration is inconclusive. Since supporting evidence is limited at this time, the clinical significance of this alteration remains unclear.

NM_003239.5(TGFB3):c.583G>T (p.Gly195Cys)

Gene: TGFB3 (transforming growth factor beta 3; minus strand). Cytogenetic location: 14q24.3.
Variant type: single nucleotide variant.
Coding change: c.583G>T on transcript NM_003239.5 (MANE Select); coding-DNA position 583, G replaced by T.
Protein change: p.Gly195Cys; replaces glycine 195 with cysteine.
Molecular consequence: missense variant.
Genome position (GRCh38, 1-based): chr14:75,971,189, C>A on the plus strand (G>T on the coding strand, the complement: TGFB3 is on the minus strand). VCF-style: chr14-75971189-C-A. GRCh37 (hg19) VCF-style: chr14-76437532-C-A.
Other names: c.583G>T, p.Gly195Cys (NM_001329938.2, NM_001329939.2); short protein forms G195C.
Identifiers: ClinVar variation 1750015 (VCV001750015.2), dbSNP rs1566682447, ClinGen allele CA390469516.